The following is an entry in ClinVar:

ClinVar aggregate classification (germline): Uncertain significance (1 of 4 stars; one submission).

Submission:

Women's Health and Genetics/Laboratory Corporation of America, LabCorp
Classification: Uncertain significance. Last evaluated: 2024-05-13. Review status: criteria provided, single submitter. Criteria: LabCorp Variant Classification Summary - May 2015. Collection method: clinical testing. Allele origin: germline.
Comment: Variant summary: F8 c.6944C>T (p.Ser2315Phe) results in a non-conservative amino acid change located in the Coagulation factor 5/8 C-terminal domain (IPR000421) of the encoded protein sequence. Four of five in-silico tools predict a damaging effect of the variant on protein function. The variant was absent in 183174 control chromosomes. The available data on variant occurrences in the general population are insufficient to allow any conclusion about variant significance. c.6944C>T has been reported (zygosity unknown) in the literature in at least 1 individual affected with Factor VIII Deficiency (Hemophilia A) (example, Johnsen_2017, Johnsen_2022). These data do not allow any conclusion about variant significance. To our knowledge, no experimental evidence demonstrating an impact on protein function has been reported. The following publications have been ascertained in the context of this evaluation (PMID: 29296726, 35770352). No submitters have cited clinical-significance assessments for this variant to ClinVar. Based on the evidence outlined above, the variant was classified as uncertain significance.

Literature cited by the submitters: PubMed 35770352; PubMed 29296726.

NM_000132.4(F8):c.6944C>T (p.Ser2315Phe)

Gene: F8 (coagulation factor VIII; minus strand). Cytogenetic location: Xq28.
Variant type: single nucleotide variant.
Coding change: c.6944C>T on transcript NM_000132.4 (MANE Select); coding-DNA position 6944, C replaced by T.
Protein change: p.Ser2315Phe; replaces serine 2315 with phenylalanine.
Molecular consequence: missense variant.
Genome position (GRCh38, 1-based): chrX:154,837,709, G>A on the plus strand (C>T on the coding strand, the complement: F8 is on the minus strand). VCF-style: chrX-154837709-G-A. GRCh37 (hg19) VCF-style: chrX-154065984-G-A.
Other names: c.539C>T, p.Ser180Phe (NM_019863.3); short protein forms S180F, S2315F.
Identifiers: ClinVar variation 3335984 (VCV003335984.1).